The following is an entry in ClinVar:

ClinVar aggregate classification (germline): Pathogenic (1 of 4 stars; one submission).

Conditions:
Hereditary angioedema type 1 (HAE1). Identifiers: Orphanet 100050, Orphanet 100051, Orphanet 91378, MedGen C2717906, MONDO:0015053, OMIM 106100.

Submission:

DNA-diagnostics Laboratory, Research Centre For Medical Genetics
Classification: Pathogenic for Hereditary angioedema type 1. Last evaluated: 2024-07-06. Review status: criteria provided, single submitter. Criteria: ACMG Guidelines, 2015. Collection method: research. Allele origin: germline. Inheritance: Autosomal dominant inheritance. Affected: yes. Observed: 1 heterozygote.
Comment: According to our observation and the published information of Pappalardo et al., 2008, the c.1289T>C variant in SERPING1 meets ACMG/ClinGen SVI guidance criteria to be classified as pathogenic: PP4_Str, PM5, PS4_Mod, PM2_Sup, PP2, PP3

Literature cited by the submitters: PubMed 18586324.

NM_000062.3(SERPING1):c.1289T>C (p.Leu430Pro)

Gene: SERPING1 (serpin family G member 1; plus strand). Cytogenetic location: 11q12.1.
Variant type: single nucleotide variant.
Coding change: c.1289T>C on transcript NM_000062.3 (MANE Select); coding-DNA position 1289, T replaced by C.
Protein change: p.Leu430Pro; replaces leucine 430 with proline.
Molecular consequence: missense variant.
Genome position (GRCh38, 1-based): chr11:57,614,367, T>C. VCF-style: chr11-57614367-T-C. GRCh37 (hg19) VCF-style: chr11-57381840-T-C.
Other names: c.1289T>C, p.Leu430Pro (NM_001032295.2); short protein forms L430P.
Identifiers: ClinVar variation 3252002 (VCV003252002.2), dbSNP rs281875174.